The following is an entry in ClinVar:

ClinVar aggregate classification (germline): Likely pathogenic (1 of 4 stars; one submission).

Submission:

GeneDx
Classification: Likely pathogenic. Last evaluated: 2018-01-30. Review status: criteria provided, single submitter. Criteria: GeneDx Variant Classification (06012015). Collection method: clinical testing. Allele origin: germline. Affected: yes.
Comment: The c.1945-2 A>G variant has not been published as a pathogenic variant, nor has it been reported as a benign variant to our knowledge. The variant is not observed in large population cohorts (Lek et al., 2016). The variant destroys the canonical splice acceptor site in intron 18. It is predicted to cause abnormal gene splicing, either leading to an abnormal message that is subject to nonsense-mediated mRNA decay, or to an abnormal protein product if the message is used for protein translation. In summary, we consider this variant to be likely pathogenic.

NM_004999.4(MYO6):c.1945-2A>G

Gene: MYO6 (myosin VI; plus strand). Cytogenetic location: 6q14.1.
Variant type: single nucleotide variant.
Coding change: c.1945-2A>G on transcript NM_004999.4 (MANE Select); the canonical splice acceptor site of the intron before coding-DNA position 1945, A replaced by G.
Molecular consequence: splice acceptor variant.
Genome position (GRCh38, 1-based): chr6:75,870,645, A>G. VCF-style: chr6-75870645-A-G. GRCh37 (hg19) VCF-style: chr6-76580362-A-G.
Other names: c.1945-2A>G (NM_001368865.1, NM_001368866.1, NM_001368137.1 and 2 more transcripts); c.1930-2A>G (NM_001368138.1).
Identifiers: ClinVar variation 504050 (VCV000504050.1), dbSNP rs1554214085, ClinGen allele CA364767700.